The following is an entry in ClinVar:

NM_004371.4(COPA):c.386+6G>A

Gene: COPA (coat protein complex I subunit alpha; minus strand). Cytogenetic location: 1q23.2.
Variant type: single nucleotide variant.
Coding change: c.386+6G>A on transcript NM_004371.4 (MANE Select); 6 bases into the intron after coding-DNA position 386, G replaced by A.
Molecular consequence: intron variant.
Genome position (GRCh38, 1-based): chr1:160,333,597, C>T on the plus strand (G>A on the coding strand, the complement: COPA is on the minus strand). VCF-style: chr1-160333597-C-T. GRCh37 (hg19) VCF-style: chr1-160303387-C-T.
Other names: c.386+6G>A (NM_001098398.2).
Identifiers: ClinVar variation 4769282 (VCV004769282.1).

ClinVar aggregate classification (germline): Uncertain significance (1 of 4 stars; one submission).

Conditions:
Autoimmune interstitial lung disease-arthritis syndrome. Also called: Autoinflammation and autoimmunity, systemic, with immune dysregulation. Identifiers: Orphanet 444092, MedGen C5975714, MONDO:0014629.

Submission:

Labcorp Genetics (formerly Invitae), Labcorp
Classification: Uncertain significance for Autoimmune interstitial lung disease-arthritis syndrome. Last evaluated: 2025-03-31. Review status: criteria provided, single submitter. Criteria: Invitae Variant Classification Sherloc (09022015). Collection method: clinical testing. Allele origin: germline.
Comment: This sequence change falls in intron 5 of the COPA gene. It does not directly change the encoded amino acid sequence of the COPA protein. It affects a nucleotide within the consensus splice site. This variant is not present in population databases (gnomAD no frequency). This variant has not been reported in the literature in individuals affected with COPA-related conditions. Variants that disrupt the consensus splice site are a relatively common cause of aberrant splicing (PMID: 17576681, 9536098). Algorithms developed to predict the effect of sequence changes on RNA splicing suggest that this variant is not likely to affect RNA splicing. In summary, the available evidence is currently insufficient to determine the role of this variant in disease. Therefore, it has been classified as a Variant of Uncertain Significance.

Literature cited by the submitters: PubMed 17576681; PubMed 9536098.